The following is an entry in ClinVar:

ClinVar aggregate classification (germline): Uncertain significance (1 of 4 stars; one submission).

Conditions:
Hypertrophic cardiomyopathy 19. Also called: Familial hypertrophic cardiomyopathy 19. Identifiers: MedGen CN077603, MONDO:0013476.

Submission:

Labcorp Genetics (formerly Invitae), Labcorp
Classification: Uncertain significance for Hypertrophic cardiomyopathy 19. Last evaluated: 2024-11-03. Review status: criteria provided, single submitter. Criteria: Invitae Variant Classification Sherloc (09022015). Collection method: clinical testing. Allele origin: germline.
Comment: This sequence change replaces glutamic acid, which is acidic and polar, with lysine, which is basic and polar, at codon 303 of the CALR3 protein (p.Glu303Lys). This variant is not present in population databases (gnomAD no frequency). This variant has not been reported in the literature in individuals affected with CALR3-related conditions. Invitae Evidence Modeling of protein sequence and biophysical properties (such as structural, functional, and spatial information, amino acid conservation, physicochemical variation, residue mobility, and thermodynamic stability) indicates that this missense variant is not expected to disrupt CALR3 protein function with a negative predictive value of 80%. In summary, the available evidence is currently insufficient to determine the role of this variant in disease. Therefore, it has been classified as a Variant of Uncertain Significance.

NM_145046.5(CALR3):c.907G>A (p.Glu303Lys)

Gene: CALR3 (calreticulin 3; minus strand). Cytogenetic location: 19p13.11.
Variant type: single nucleotide variant.
Coding change: c.907G>A on transcript NM_145046.5 (MANE Select); coding-DNA position 907, G replaced by A.
Protein change: p.Glu303Lys; replaces glutamic acid 303 with lysine.
Molecular consequence: missense variant.
Genome position (GRCh38, 1-based): chr19:16,482,461, C>T on the plus strand (G>A on the coding strand, the complement: CALR3 is on the minus strand). VCF-style: chr19-16482461-C-T. GRCh37 (hg19) VCF-style: chr19-16593272-C-T.
Other names: short protein forms E303K.
Identifiers: ClinVar variation 3661708 (VCV003661708.2).
Genomic context (GRCh38, chr19:16,482,461, plus strand): 5'-CAAAACACACACACGCAAAAAATCTAAAGTAAAGTTAAAACCAAATGACCTGCCAAAGCT[C>T]CAGGCCAATGGCACCAATGTTCTCAAATTCTGAGAGGTCATACTGCGTCAAATAGTCGGT-3'
Protein context (NP_659483.2, residues 293-313): EFENIGAIGL[Glu303Lys]LWQVRSGTIF